The following is an entry in ClinVar:

ClinVar aggregate classification (germline): Benign (1 of 4 stars; one submission).

Conditions:
Intellectual developmental disorder, X-linked 1. Also called: Atkin Flaitz Patil Smith syndrome; MENTAL RETARDATION, X-LINKED 18; MENTAL RETARDATION, X-LINKED 78; Intellectual disability, X-linked 1. Identifiers: Orphanet 777, MedGen C2931498, MONDO:0010656, OMIM 309530.

Submission:

Centre for Mendelian Genomics, University Medical Centre Ljubljana
Classification: Benign for Intellectual developmental disorder, X-linked 1. Last evaluated: 2019-11-11. Review status: criteria provided, single submitter. Criteria: ACMG Guidelines, 2015. Collection method: clinical testing. Allele origin: unknown. Affected: yes.
Comment: This variant was classified as: Benign. The following ACMG criteria were applied in classifying this variant: BS2,BS4.

NM_001111125.3(IQSEC2):c.3229C>A (p.Arg1077Ser)

Gene: IQSEC2 (IQ motif and Sec7 domain ArfGEF 2; minus strand). Cytogenetic location: Xp11.22.
Variant type: single nucleotide variant.
Coding change: c.3229C>A on transcript NM_001111125.3 (MANE Select); coding-DNA position 3229, C replaced by A.
Protein change: p.Arg1077Ser; replaces arginine 1077 with serine.
Molecular consequence: missense variant.
Genome position (GRCh38, 1-based): chrX:53,238,193, G>T on the plus strand (C>A on the coding strand, the complement: IQSEC2 is on the minus strand). VCF-style: chrX-53238193-G-T. GRCh37 (hg19) VCF-style: chrX-53267375-G-T.
Other names: c.2614C>A, p.Arg872Ser (NM_015075.2); short protein forms R872S, R1077S.
Identifiers: ClinVar variation 931517 (VCV000931517.3), dbSNP rs782569979, ClinGen allele CA413146434.